The following is an entry in ClinVar:

NM_199420.4(POLQ):c.7007T>G (p.Leu2336Arg)

Gene: POLQ (DNA polymerase theta; minus strand). Cytogenetic location: 3q13.33.
Variant type: single nucleotide variant.
Coding change: c.7007T>G on transcript NM_199420.4 (MANE Select); coding-DNA position 7007, T replaced by G.
Protein change: p.Leu2336Arg; replaces leucine 2336 with arginine.
Molecular consequence: missense variant.
Genome position (GRCh38, 1-based): chr3:121,460,195, A>C on the plus strand (T>G on the coding strand, the complement: POLQ is on the minus strand). VCF-style: chr3-121460195-A-C. GRCh37 (hg19) VCF-style: chr3-121179042-A-C.
Other names: short protein forms L2336R.
Identifiers: ClinVar variation 2560567 (VCV002560567.2), dbSNP rs2546764851, ClinGen allele CA354107657.

ClinVar aggregate classification (germline): Uncertain significance (1 of 4 stars; one submission).

Submission:

Ambry Genetics
Classification: Uncertain significance. Last evaluated: 2023-03-24. Review status: criteria provided, single submitter. Criteria: Ambry Variant Classification Scheme 2023. Collection method: clinical testing. Allele origin: germline.
Comment: The p.L2336R variant (also known as c.7007T>G), located in coding exon 25 of the POLQ gene, results from a T to G substitution at nucleotide position 7007. The leucine at codon 2336 is replaced by arginine, an amino acid with dissimilar properties. This amino acid position is conserved. In addition, this alteration is predicted to be deleterious by in silico analysis. Since supporting evidence is limited at this time, the clinical significance of this alteration remains unclear.